The following is an entry in ClinVar:

ClinVar aggregate classification (germline): Likely benign. Review status: criteria provided, multiple submitters, no conflicts (2 of 4 stars). 2 submissions from 2 submitters: Likely benign (2). Last evaluated 2025-01-22.

Conditions:
Classic or attenuated familial adenomatous polyposis. Identifiers: MedGen CN372698, MONDO:0021057.
Familial adenomatous polyposis 1 (FAP1). Also called: FAMILIAL ADENOMATOUS POLYPOSIS 1, ATTENUATED; POLYPOSIS, ADENOMATOUS INTESTINAL. Identifiers: MedGen C2713442, MONDO:0021056, OMIM 175100. Disease mechanism: loss of function.

Submissions (2):

Labcorp Genetics (formerly Invitae), Labcorp
Classification: Likely benign for Familial adenomatous polyposis 1. Last evaluated: 2025-01-22. Review status: criteria provided, single submitter. Criteria: Invitae Variant Classification Sherloc (09022015). Collection method: clinical testing. Allele origin: germline.

All of Us Research Program, National Institutes of Health
Classification: Likely benign for Classic or attenuated familial adenomatous polyposis. Last evaluated: 2023-08-15. Review status: criteria provided, single submitter. Criteria: ACMG Guidelines, 2015. Collection method: clinical testing. Allele origin: germline. Inheritance: Autosomal dominant inheritance. Observed: 1 variant allele, 1 heterozygote.
Comment: This study involves interpretation of variants in research participants for the purpose of population health screening. Participant phenotype was not available at the time of variant classification. Additional details can be found in publication PMID: 35346344, PMCID: PMC8962531

NM_000038.6(APC):c.646-15C>A

Gene: APC (APC regulator of Wnt signaling pathway; plus strand). Cytogenetic location: 5q22.2.
Variant type: single nucleotide variant.
Coding change: c.646-15C>A on transcript NM_000038.6 (MANE Select); 15 bases into the intron before coding-DNA position 646, C replaced by A.
Molecular consequence: intron variant.
Genome position (GRCh38, 1-based): chr5:112,792,431, C>A. VCF-style: chr5-112792431-C-A. GRCh37 (hg19) VCF-style: chr5-112128128-C-A.
Other names: c.-390-15C>A (NM_001407470.1, NM_001407472.1, NM_001354906.2 and 1 more transcripts); c.646-15C>A (NM_001407447.1, NM_001354895.2, NM_001407456.1 and 12 more transcripts); c.646-8848C>A (NM_001407452.1, NM_001407469.1, NM_001354899.2 and 1 more transcripts); c.676-15C>A (NM_001407446.1, NM_001354897.2, NM_001354902.2); c.676-8848C>A (NM_001127511.3); c.469-15C>A (NM_001407453.1, NM_001354900.2, NM_001354901.2 and 1 more transcripts); c.571-15C>A (NM_001407451.1, NM_001354898.2, NM_001354904.2).
Identifiers: ClinVar variation 2786452 (VCV002786452.4), dbSNP rs2149683911, ClinGen allele CA2674865864.